The following is an entry in ClinVar:

NM_018124.4(RFWD3):c.665C>T (p.Ala222Val)

Gene: RFWD3 (ring finger and WD repeat domain 3; minus strand). Cytogenetic location: 16q23.1.
Variant type: single nucleotide variant.
Coding change: c.665C>T on transcript NM_018124.4 (MANE Select); coding-DNA position 665, C replaced by T.
Protein change: p.Ala222Val; replaces alanine 222 with valine.
Molecular consequence: missense variant. On other transcripts: 5 prime UTR variant (4), intron variant (1).
Genome position (GRCh38, 1-based): chr16:74,651,976, G>A on the plus strand (C>T on the coding strand, the complement: RFWD3 is on the minus strand). VCF-style: chr16-74651976-G-A. GRCh37 (hg19) VCF-style: chr16-74685874-G-A.
Other names: c.665C>T, p.Ala222Val (NM_001370534.1, NM_001370535.1, NM_001370536.1); c.-344C>T (NM_001370537.1); c.-170C>T (NM_001370540.1); c.-221C>T (NM_001370542.1); c.-99C>T (NM_001370543.1); c.-113-2774C>T (NM_001370539.1); short protein forms A222V.
Identifiers: ClinVar variation 3727387 (VCV003727387.2).

ClinVar aggregate classification (germline): Uncertain significance (1 of 4 stars; one submission).

Submission:

Labcorp Genetics (formerly Invitae), Labcorp
Classification: Uncertain significance. Last evaluated: 2024-12-16. Review status: criteria provided, single submitter. Criteria: Invitae Variant Classification Sherloc (09022015). Collection method: clinical testing. Allele origin: germline.
Comment: This sequence change replaces alanine, which is neutral and non-polar, with valine, which is neutral and non-polar, at codon 222 of the RFWD3 protein (p.Ala222Val). This variant is not present in population databases (gnomAD no frequency). This variant has not been reported in the literature in individuals affected with RFWD3-related conditions. An algorithm developed to predict the effect of missense changes on protein structure and function (PolyPhen-2) suggests that this variant is likely to be tolerated. In summary, the available evidence is currently insufficient to determine the role of this variant in disease. Therefore, it has been classified as a Variant of Uncertain Significance.